The following is an entry in ClinVar:

ClinVar aggregate classification (germline): Uncertain significance (1 of 4 stars; one submission).

Conditions:
Mucolipidosis type II. Also called: Mucolipidosis 2; ML 2; Inclusion cell disease; Leroy Disease; N-acetylglucosamine 1phosphotransferase deficiency; ML disorder type 2. Identifiers: Orphanet 576, MedGen C2673377, MONDO:0009650, OMIM 252500.
Pseudo-Hurler polydystrophy. Also called: ML IIIA; Mucolipidosis III Alpha/Beta; MUCOLIPIDOSIS IIIA; ML III; ML III ALPHA/BETA; Type III Mucolipidosis. Identifiers: Orphanet 423461, Orphanet 577, MedGen C0033788, MONDO:0018931, OMIM 252600.

Allele frequency attached by ClinVar (database versions not stated): gnomAD exomes below 0.00001 and 0.00001; ExAC 0.00001.

Submission:

Labcorp Genetics (formerly Invitae), Labcorp
Classification: Uncertain significance for Pseudo-Hurler polydystrophy; Mucolipidosis type II. Last evaluated: 2020-08-20. Review status: criteria provided, single submitter. Criteria: Invitae Variant Classification Sherloc (09022015). Collection method: clinical testing. Allele origin: germline.
Comment: This sequence change replaces isoleucine with leucine at codon 1245 of the GNPTAB protein (p.Ile1245Leu). The isoleucine residue is moderately conserved and there is a small physicochemical difference between isoleucine and leucine. This variant is present in population databases (rs774971931, ExAC 0.002%). This variant has not been reported in the literature in individuals with GNPTAB-related conditions. Advanced modeling of protein sequence and biophysical properties (such as structural, functional, and spatial information, amino acid conservation, physicochemical variation, residue mobility, and thermodynamic stability) performed at Invitae indicates that this missense variant is not expected to disrupt GNPTAB protein function. In summary, the available evidence is currently insufficient to determine the role of this variant in disease. Therefore, it has been classified as a Variant of Uncertain Significance.

NM_024312.5(GNPTAB):c.3733A>T (p.Ile1245Leu)

Gene: GNPTAB (N-acetylglucosamine-1-phosphate transferase subunits alpha and beta; minus strand). Cytogenetic location: 12q23.2.
Variant type: single nucleotide variant.
Coding change: c.3733A>T on transcript NM_024312.5 (MANE Select); coding-DNA position 3733, A replaced by T.
Protein change: p.Ile1245Leu; replaces isoleucine 1245 with leucine.
Molecular consequence: missense variant.
Genome position (GRCh38, 1-based): chr12:101,747,202, T>A on the plus strand (A>T on the coding strand, the complement: GNPTAB is on the minus strand). VCF-style: chr12-101747202-T-A. GRCh37 (hg19) VCF-style: chr12-102140980-T-A.
Other names: short protein forms I1245L.
Identifiers: ClinVar variation 999328 (VCV000999328.8), dbSNP rs774971931, ClinGen allele CA6746054.